The following is an entry in ClinVar:

NM_001429.4(EP300):c.2406G>A (p.Pro802=)

Gene: EP300 (EP300 lysine acetyltransferase; plus strand). Cytogenetic location: 22q13.2.
Variant type: single nucleotide variant.
Coding change: c.2406G>A on transcript NM_001429.4 (MANE Select); coding-DNA position 2406, G replaced by A.
Protein change: p.Pro802=; no amino-acid change (proline 802 retained).
Molecular consequence: synonymous variant.
Genome position (GRCh38, 1-based): chr22:41,149,787, G>A. VCF-style: chr22-41149787-G-A. GRCh37 (hg19) VCF-style: chr22-41545791-G-A.
Other names: c.2328G>A, p.Pro776= (NM_001362843.2).
Identifiers: ClinVar variation 3355178 (VCV003355178.15).

ClinVar aggregate classification (germline): Likely benign. Review status: criteria provided, single submitter (1 of 4 stars). 2 submissions from 2 submitters: Likely benign (1). 1 of the submissions does not count toward it. Last evaluated 2024-10-01.

Conditions:
EP300-related disorder. Also called: EP300-related condition; EP300-related disorders.

gnomAD v4.1: 23 of 1,613,572 alleles (0.0014%); highest among the groups gnomAD compares: Middle Eastern, 0.016%; no homozygotes.

Submissions (2):

CeGaT Center for Human Genetics Tuebingen
Classification: Likely benign. Last evaluated: 2024-10-01. Review status: criteria provided, single submitter. Criteria: CeGaT Center For Human Genetics Tuebingen Variant Classification Criteria Version 2. Collection method: clinical testing. Allele origin: germline. Affected: yes. Observed: 1 variant allele.
Comment: EP300: BP4, BP7

PreventionGenetics, part of Exact Sciences
Classification: Likely benign for EP300-related condition. Last evaluated: 2024-06-17. Review status: no assertion criteria provided. Collection method: clinical testing. Allele origin: germline. Not counted in ClinVar's aggregate classification.
Comment: This variant is classified as likely benign based on ACMG/AMP sequence variant interpretation guidelines (Richards et al. 2015 PMID: 25741868, with internal and published modifications).